The following is an entry in ClinVar:

ClinVar aggregate classification (germline): Uncertain significance (1 of 4 stars; one submission).

Conditions:
KIDINS220-related disorder. Also called: KIDINS220-related condition.

gnomAD v4.1: 2 of 1,612,350 alleles (0.00012%); highest among the groups gnomAD compares: Admixed American, 0.0017%; no homozygotes.

Submission:

PreventionGenetics, part of Exact Sciences
Classification: Uncertain significance for KIDINS220-related condition. Last evaluated: 2025-05-15. Review status: criteria provided, single submitter. Criteria: ACMG Guidelines, 2015. Collection method: clinical testing. Allele origin: germline.
Comment: The KIDINS220 c.962T>C variant is predicted to result in the amino acid substitution p.Ile321Thr. To our knowledge, this variant has not been reported in the literature or in a large population database (gnomAD), indicating this variant is rare. At this time, the clinical significance of this variant is uncertain due to the absence of conclusive functional and genetic evidence.

NM_020738.4(KIDINS220):c.962T>C (p.Ile321Thr)

Gene: KIDINS220 (kinase D interacting substrate 220; minus strand). Cytogenetic location: 2p25.1.
Variant type: single nucleotide variant.
Coding change: c.962T>C on transcript NM_020738.4 (MANE Select); coding-DNA position 962, T replaced by C.
Protein change: p.Ile321Thr; replaces isoleucine 321 with threonine.
Molecular consequence: missense variant. On other transcripts: non-coding transcript variant (2).
Genome position (GRCh38, 1-based): chr2:8,798,239, A>G on the plus strand (T>C on the coding strand, the complement: KIDINS220 is on the minus strand). VCF-style: chr2-8798239-A-G. GRCh37 (hg19) VCF-style: chr2-8938369-A-G.
Other names: c.965T>C, p.Ile322Thr (NM_001348729.2, NM_001348731.2, NM_001348734.2 and 3 more transcripts); c.962T>C, p.Ile321Thr (NM_001348732.2, NM_001348735.2, NM_001348738.2 and 3 more transcripts); c.836T>C, p.Ile279Thr (NM_001348736.2); short protein forms I279T, I321T, I322T.
Identifiers: ClinVar variation 5000667 (VCV005000667.1).